The following is an entry in ClinVar:

NM_001024383.2(NAV3):c.6786C>T (p.Asn2262=)

Gene: NAV3 (neuron navigator 3; plus strand). Cytogenetic location: 12q21.2.
Variant type: single nucleotide variant.
Coding change: c.6786C>T on transcript NM_001024383.2 (MANE Select); coding-DNA position 6786, C replaced by T.
Protein change: p.Asn2262=; no amino-acid change (asparagine 2262 retained).
Molecular consequence: synonymous variant.
Genome position (GRCh38, 1-based): chr12:78,200,543, C>T. VCF-style: chr12-78200543-C-T. GRCh37 (hg19) VCF-style: chr12-78594323-C-T.
Other names: c.5157C>T, p.Asn1719= (NM_001438019.1); c.6720C>T, p.Asn2240= (NM_014903.6).
Identifiers: ClinVar variation 4872473 (VCV004872473.2).

ClinVar aggregate classification (germline): Likely benign (1 of 4 stars; one submission).

gnomAD v4.1: 1,949 of 1,600,730 alleles (0.12%); highest among the groups gnomAD compares: Non-Finnish European, 0.08%; 9 homozygotes.

Submission:

CeGaT Center for Human Genetics Tuebingen
Classification: Likely benign. Last evaluated: 2026-04-01. Review status: criteria provided, single submitter. Criteria: CeGaT Center For Human Genetics Tuebingen Variant Classification Criteria Version 2. Collection method: clinical testing. Allele origin: germline. Affected: yes. Observed: 1 variant allele.
Comment: NAV3: BP4, BP7